The following is an entry in ClinVar:

ClinVar aggregate classification (germline): Benign. Review status: criteria provided, multiple submitters, no conflicts (2 of 4 stars). 2 submissions from 2 submitters: Benign (2). Last evaluated 2018-01-13.

Conditions:
Retinitis pigmentosa (RP). Identifiers: Orphanet 791, MedGen C0035334, MeSH D012174, MONDO:0019200, OMIM 268000. Inheritance: Autosomal dominant, autosomal recessive and X linked inheritance.

Allele frequency attached by ClinVar (database versions not stated): gnomAD 0.00814 and 0.00870; 1000 Genomes Project 30x 0.00890; 1000 Genomes Project 0.00899; TOPMed 0.00929.
gnomAD v4.1: 2,561 of 1,587,254 alleles (0.16%); highest among the groups gnomAD compares: African/African-American, 2.8%; 38 homozygotes.

Submissions (2):

Illumina Laboratory Services, Illumina
Classification: Benign for Retinitis pigmentosa. Last evaluated: 2018-01-13. Review status: criteria provided, single submitter. Criteria: ICSL Variant Classification Criteria 13 December 2019. Collection method: clinical testing. Allele origin: germline.
Comment: This variant was observed in the ICSL laboratory as part of a predisposition screen in an ostensibly healthy population. It had not been previously curated by ICSL or reported in the Human Gene Mutation Database (HGMD: prior to June 1st, 2018), and was therefore a candidate for classification through an automated scoring system. Utilizing variant allele frequency, disease prevalence and penetrance estimates, and inheritance mode, an automated score was calculated to assess if this variant is too frequent to cause the disease. Based on the score and internal cut-off values, a variant classified as benign is not then subjected to further curation. The score for this variant resulted in a classification of benign for this disease.

Breakthrough Genomics
Classification: Benign. Review status: criteria provided, single submitter. Criteria: ACMG Guidelines, 2015. Collection method: not provided. Allele origin: germline. Inheritance: Autosomal dominant inheritance. Affected: yes.

NM_006269.2(RP1):c.*72G>A

Gene: RP1 (RP1 axonemal microtubule associated; plus strand). Cytogenetic location: 8q12.1.
Variant type: single nucleotide variant.
Coding change: c.*72G>A on transcript NM_006269.2 (MANE Select); 72 bases downstream of the stop codon, G replaced by A.
Molecular consequence: 3 prime UTR variant.
Genome position (GRCh38, 1-based): chr8:54,630,425, G>A. VCF-style: chr8-54630425-G-A. GRCh37 (hg19) VCF-style: chr8-55542985-G-A.
Identifiers: ClinVar variation 363315 (VCV000363315.6), dbSNP rs73679499, ClinGen allele CA10631309.